The following is an entry in ClinVar:

NM_001365276.2(TNXB):c.7512C>T (p.Asp2504=)

Gene: TNXB (tenascin XB; minus strand). Cytogenetic location: 6p21.33.
Variant type: single nucleotide variant.
Coding change: c.7512C>T on transcript NM_001365276.2 (MANE Select); coding-DNA position 7512, C replaced by T.
Protein change: p.Asp2504=; no amino-acid change (aspartic acid 2504 retained).
Molecular consequence: synonymous variant.
Genome position (GRCh38, 1-based): chr6:32,058,371, G>A on the plus strand (C>T on the coding strand, the complement: TNXB is on the minus strand). VCF-style: chr6-32058371-G-A. GRCh37 (hg19) VCF-style: chr6-32026148-G-A.
Other names: c.8253C>T, p.Asp2751= (NM_001428335.1); c.7512C>T, p.Asp2504= (NM_019105.8).
Identifiers: ClinVar variation 4681611 (VCV004681611.5).

ClinVar aggregate classification (germline): Likely benign (1 of 4 stars; one submission).

gnomAD v4.1: 6 of 1,606,072 alleles (0.00037%); highest among the groups gnomAD compares: Middle Eastern, 0.017%; no homozygotes.

Submission:

CeGaT Center for Human Genetics Tuebingen
Classification: Likely benign. Last evaluated: 2026-04-01. Review status: criteria provided, single submitter. Criteria: CeGaT Center For Human Genetics Tuebingen Variant Classification Criteria Version 2. Collection method: clinical testing. Allele origin: germline. Affected: yes. Observed: 2 variant alleles.
Comment: TNXB: BP4, BP7